The following is an entry in ClinVar:

NM_001393769.1(MED12L):c.1171G>A (p.Ala391Thr)

Gene: MED12L (mediator complex subunit 12L; plus strand). Cytogenetic location: 3q25.1.
Variant type: single nucleotide variant.
Coding change: c.1171G>A on transcript NM_001393769.1 (MANE Select); coding-DNA position 1171, G replaced by A.
Protein change: p.Ala391Thr; replaces alanine 391 with threonine.
Molecular consequence: missense variant.
Genome position (GRCh38, 1-based): chr3:151,163,956, G>A. VCF-style: chr3-151163956-G-A. GRCh37 (hg19) VCF-style: chr3-150881743-G-A.
Other names: c.1171G>A, p.Ala391Thr (NM_053002.6); c.1171G>A (NM_053002.5); short protein forms A391T.
Identifiers: ClinVar variation 3124876 (VCV003124876.2), dbSNP rs139974900, ClinGen allele CA2666566.

ClinVar aggregate classification (germline): Likely benign. Review status: criteria provided, multiple submitters, no conflicts (2 of 4 stars). 2 submissions from 2 submitters: Likely benign (2). Last evaluated 2024-11-13.

Conditions:
Inborn genetic diseases. Identifiers: MedGen C0950123, MeSH D030342.
MED12L-related disorder. Also called: MED12L-related condition.

Allele frequency attached by ClinVar (database versions not stated): ESP Exome Variant Server 0.00015; gnomAD 0.00033.
gnomAD v4.1: 160 of 1,613,440 alleles (0.0099%); highest among the groups gnomAD compares: African/African-American, 0.12%; 1 homozygote.

Submissions (2):

PreventionGenetics, part of Exact Sciences
Classification: Likely benign for MED12L-related condition. Last evaluated: 2024-11-13. Review status: criteria provided, single submitter. Criteria: ACMG Guidelines, 2015. Collection method: clinical testing. Allele origin: germline.
Comment: This variant is classified as likely benign based on ACMG/AMP sequence variant interpretation guidelines (Richards et al. 2015 PMID: 25741868, with internal and published modifications).

Ambry Genetics
Classification: Likely benign for Inborn genetic diseases. Last evaluated: 2023-10-02. Review status: criteria provided, single submitter. Criteria: Ambry Variant Classification Scheme 2023. Collection method: clinical testing. Allele origin: germline.